The following is an entry in ClinVar:

NM_020312.4(COQ9):c.202G>A (p.Ala68Thr)

Gene: COQ9 (coenzyme Q9; plus strand). Cytogenetic location: 16q21.
Variant type: single nucleotide variant.
Coding change: c.202G>A on transcript NM_020312.4 (MANE Select); coding-DNA position 202, G replaced by A.
Protein change: p.Ala68Thr; replaces alanine 68 with threonine.
Molecular consequence: missense variant.
Genome position (GRCh38, 1-based): chr16:57,451,168, G>A. VCF-style: chr16-57451168-G-A. GRCh37 (hg19) VCF-style: chr16-57485080-G-A.
Other names: short protein forms A68T.
Identifiers: ClinVar variation 1914451 (VCV001914451.2), dbSNP rs774277684, ClinGen allele CA8076113.

ClinVar aggregate classification (germline): Uncertain significance (1 of 4 stars; one submission).

Allele frequency attached by ClinVar (database versions not stated): TOPMed below 0.00001; ExAC 0.00003.

Submission:

Labcorp Genetics (formerly Invitae), Labcorp
Classification: Uncertain significance. Last evaluated: 2022-05-31. Review status: criteria provided, single submitter. Criteria: Invitae Variant Classification Sherloc (09022015). Collection method: clinical testing. Allele origin: germline.
Comment: This sequence change replaces alanine, which is neutral and non-polar, with threonine, which is neutral and polar, at codon 68 of the COQ9 protein (p.Ala68Thr). This variant is present in population databases (rs774277684, gnomAD 0.01%). This variant has not been reported in the literature in individuals affected with COQ9-related conditions. Algorithms developed to predict the effect of missense changes on protein structure and function output the following: SIFT: "Tolerated"; PolyPhen-2: "Benign"; Align-GVGD: "Class C0". The threonine amino acid residue is found in multiple mammalian species, which suggests that this missense change does not adversely affect protein function. In summary, the available evidence is currently insufficient to determine the role of this variant in disease. Therefore, it has been classified as a Variant of Uncertain Significance.